The following is an entry in ClinVar:

NM_001012614.2(CTBP1):c.849G>A (p.Ser283=)

Genes: CTBP1 (C-terminal binding protein 1; minus strand), CTBP1-AS (CTBP1 antisense RNA; plus strand). Cytogenetic location: 4p16.3.
Variant type: single nucleotide variant.
Coding change: c.849G>A on transcript NM_001012614.2 (MANE Select); coding-DNA position 849, G replaced by A.
Protein change: p.Ser283=; no amino-acid change (serine 283 retained).
Molecular consequence: synonymous variant.
Genome position (GRCh38, 1-based): chr4:1,214,354, C>T on the plus strand (G>A on the coding strand, the complement: CTBP1 is on the minus strand). VCF-style: chr4-1214354-C-T. GRCh37 (hg19) VCF-style: chr4-1208142-C-T.
Other names: c.882G>A, p.Ser294= (NM_001328.3, NM_001377186.1); c.849G>A, p.Ser283= (NM_001377187.1, NM_001377188.1, NM_001377189.1 and 4 more transcripts).
Identifiers: ClinVar variation 1591789 (VCV001591789.32), dbSNP rs764484563, ClinGen allele CA2804286.

ClinVar aggregate classification (germline): Likely benign. Review status: criteria provided, multiple submitters, no conflicts (2 of 4 stars). 2 submissions from 2 submitters: Likely benign (2). Last evaluated 2025-09-01.

Allele frequency attached by ClinVar (database versions not stated): gnomAD exomes 0.00002; TOPMed 0.00002; ExAC 0.00003; gnomAD 0.00004 and 0.00005.
gnomAD v4.1: 37 of 1,565,490 alleles (0.0024%); highest among the groups gnomAD compares: African/African-American, 0.0042%; no homozygotes.

Submissions (2):

Labcorp Genetics (formerly Invitae), Labcorp
Classification: Likely benign. Last evaluated: 2025-09-01. Review status: criteria provided, single submitter. Criteria: Invitae Variant Classification Sherloc (09022015). Collection method: clinical testing. Allele origin: germline.

CeGaT Center for Human Genetics Tuebingen
Classification: Likely benign. Last evaluated: 2023-08-01. Review status: criteria provided, single submitter. Criteria: CeGaT Center For Human Genetics Tuebingen Variant Classification Criteria Version 2. Collection method: clinical testing. Allele origin: germline. Affected: yes. Observed: 3 variant alleles.
Comment: CTBP1: BP4, BP7